The following is an entry in ClinVar:

NM_000051.4(ATM):c.8530A>C (p.Ile2844Leu)

Genes: ATM (ATM serine/threonine kinase; plus strand), C11orf65 (chromosome 11 open reading frame 65; minus strand). Cytogenetic location: 11q22.3.
Variant type: single nucleotide variant.
Coding change: c.8530A>C on transcript NM_000051.4 (MANE Select); coding-DNA position 8530, A replaced by C.
Protein change: p.Ile2844Leu; replaces isoleucine 2844 with leucine.
Molecular consequence: missense variant. On other transcripts: intron variant (2).
Genome position (GRCh38, 1-based): chr11:108,345,854, A>C. VCF-style: chr11-108345854-A-C. GRCh37 (hg19) VCF-style: chr11-108216581-A-C.
Other names: c.8530A>C, p.Ile2844Leu (NM_001351834.2); c.641-36783T>G (NM_001330368.2); c.695-10562T>G (NM_001351110.2); short protein forms I2844L.
Identifiers: ClinVar variation 490736 (VCV000490736.11), dbSNP rs756230327, ClinGen allele CA382518347.
Genomic context (GRCh38, chr11:108,345,854, plus strand): 5'-TGCCAAAATTTTCAACCAGTTTTCCGTTACTTCTGCATGGAAAAATTCTTGGATCCAGCT[A>C]TTTGGTTTGAGAAGCGATTGGCTTATACGCGCAGTGTAGCTACTTCTTCTATTGGTAATC-3'
Protein context (NP_000042.3, residues 2834-2854): FCMEKFLDPA[Ile2844Leu]WFEKRLAYTR

ClinVar aggregate classification (germline): Conflicting classifications of pathogenicity. Review status: criteria provided, conflicting classifications (1 of 4 stars). 4 submissions from 4 submitters: Uncertain significance (2); Benign (1); Likely benign (1). Last evaluated 2025-04-30.

Conditions:
Hereditary cancer-predisposing syndrome. Also called: Hereditary Cancer Syndrome; Neoplastic Syndromes, Hereditary; Tumor predisposition; Hereditary neoplastic syndrome. Identifiers: Orphanet 140162, MedGen C0027672, MeSH D009386, MONDO:0015356.
Ovarian cancer. Also called: OVARIAN CANCER, SOMATIC. Identifiers: Orphanet 213500, MedGen C1140680, MONDO:0008170, OMIM 167000.

Submissions (4):

Ambry Genetics
Classification: Likely benign for Hereditary cancer-predisposing syndrome. Last evaluated: 2025-04-30. Review status: criteria provided, single submitter. Criteria: Ambry Variant Classification Scheme 2023. Collection method: clinical testing. Allele origin: germline.

Laboratory of Molecular Epidemiology of Birth Defects, West China Second University Hospital, Sichuan University
Classification: Benign for Ovarian cancer. Last evaluated: 2022-01-01. Review status: criteria provided, single submitter. Criteria: ACMG Guidelines, 2015. Collection method: clinical testing. Allele origin: germline. Affected: yes.

Color Diagnostics, LLC DBA Color Health
Classification: Uncertain significance for Hereditary cancer-predisposing syndrome. Last evaluated: 2020-05-11. Review status: criteria provided, single submitter. Criteria: ACMG Guidelines, 2015. Collection method: clinical testing. Allele origin: germline.
Comment: This missense variant replaces isoleucine with leucine at codon 2844 of the ATM protein. Computational prediction suggests that this variant may not impact protein structure and function (internally defined REVEL score threshold <= 0.5, PMID: 27666373). To our knowledge, functional studies have not been reported for this variant. This variant has not been reported in individuals affected with hereditary cancer in the literature. This variant has not been identified in the general population by the Genome Aggregation Database (gnomAD). The available evidence is insufficient to determine the role of this variant in disease conclusively. Therefore, this variant is classified as a Variant of Uncertain Significance.

Blueprint Genetics
Classification: Uncertain significance. Last evaluated: 2017-11-29. Review status: criteria provided, single submitter. Criteria: ACMG Guidelines, 2015. Collection method: clinical testing. Allele origin: germline.